The following is an entry in ClinVar:

ClinVar aggregate classification (germline): Uncertain significance. Review status: criteria provided, multiple submitters, no conflicts (2 of 4 stars). 3 submissions from 3 submitters: Uncertain significance (3). Last evaluated 2025-11-11.

Conditions:
Rubinstein-Taybi syndrome due to EP300 haploinsufficiency. Also called: EP300-Related Rubinstein-Taybi Syndrome; RUBINSTEIN-TAYBI SYNDROME 2. Identifiers: Orphanet 353284, Orphanet 783, MedGen C3150941, MONDO:0013364, OMIM 613684.

Submissions (3):

GeneDx
Classification: Uncertain significance. Last evaluated: 2025-11-11. Review status: criteria provided, single submitter. Criteria: GeneDx Variant Classification Process June 2021. Collection method: clinical testing. Allele origin: germline.
Comment: Not observed at significant frequency in large population cohorts (gnomAD); In silico analysis is inconclusive as to whether the variant alters gene splicing. In the absence of RNA/functional studies, the actual effect of this sequence change is unknown.; Has not been previously published as pathogenic or benign to our knowledge

Labcorp Genetics (formerly Invitae), Labcorp
Classification: Uncertain significance for Rubinstein-Taybi syndrome due to EP300 haploinsufficiency. Last evaluated: 2024-09-28. Review status: criteria provided, single submitter. Criteria: Invitae Variant Classification Sherloc (09022015). Collection method: clinical testing. Allele origin: germline.
Comment: This sequence change falls in intron 8 of the EP300 gene. It does not directly change the encoded amino acid sequence of the EP300 protein. It affects a nucleotide within the consensus splice site. This variant is not present in population databases (gnomAD no frequency). This variant has not been reported in the literature in individuals affected with EP300-related conditions. ClinVar contains an entry for this variant (Variation ID: 1699189). Variants that disrupt the consensus splice site are a relatively common cause of aberrant splicing (PMID: 17576681, 9536098). Algorithms developed to predict the effect of sequence changes on RNA splicing suggest that this variant may disrupt the consensus splice site. In summary, the available evidence is currently insufficient to determine the role of this variant in disease. Therefore, it has been classified as a Variant of Uncertain Significance.

Victorian Clinical Genetics Services, Murdoch Childrens Research Institute
Classification: Uncertain significance for Rubinstein-Taybi syndrome due to EP300 haploinsufficiency. Last evaluated: 2022-02-02. Review status: criteria provided, single submitter. Criteria: ACMG Guidelines, 2015. Collection method: clinical testing. Allele origin: germline. Inheritance: Autosomal dominant inheritance.
Comment: Based on the classification scheme VCGS_Germline_v1.3.4, this variant is classified as VUS-3B. Following criteria are met: 0102 - Loss of function is a known mechanism of disease in this gene and is associated with Rubinstein-Taybi syndrome 2 (MIM# 613684). However, dominant-negative has also been suggested as possible mechanisms of disease (GeneReviews). (I) 0107 - This gene is associated with autosomal dominant disease. (I) 0212 - Non-canonical splice site variant without proven consequence on splicing (no functional evidence available). (SP) 0251 - This variant is heterozygous. (I) 0301 - Variant is absent from gnomAD (both v2 and v3). (SP) 0506 - Abnormal splicing is not predicted and nucleotide is poorly conserved. (SB) 0705 - No comparable splice site variants have previous evidence for pathogenicity. (I) 0807 - This variant has no previous evidence of pathogenicity. (I) 0905 - No published segregation evidence has been identified for this variant. (I) 1007 - No published functional evidence has been identified for this variant. (I) 1208 - Inheritance information for this variant is not currently available in this individual. (I) Legend: (SP) - Supporting pathogenic, (I) - Information, (SB) - Supporting benign

Literature cited by the submitters: PubMed 17576681 (cited by Labcorp Genetics (formerly Invitae), Labcorp); PubMed 9536098 (cited by Labcorp Genetics (formerly Invitae), Labcorp).

NM_001429.4(EP300):c.1760+6_1760+9del

Gene: EP300 (EP300 lysine acetyltransferase; plus strand). Cytogenetic location: 22q13.2.
Variant type: Microsatellite.
Coding change: c.1760+6_1760+9del on transcript NM_001429.4 (MANE Select); bases 6 to 9 of the intron after coding-DNA position 1760, 4 bases deleted (TAAG; older notation c.1760+6_1760+9delTAAG).
Molecular consequence: splice donor variant.
Genome position (GRCh38, 1-based): chr22:41,137,796-41,137,799, TAAG deleted; deleting any 4 consecutive bases within chr22:41,137,791-41,137,799 gives the same sequence; the c. name uses the placement nearest the transcript's 3' end. VCF-style (leftmost placement, unchanged base first): chr22-41137790-TGTAA-T. GRCh37 (hg19) VCF-style: chr22-41533794-TGTAA-T.
Other names: c.1760+6_1760+9del (NM_001362843.2).
Identifiers: ClinVar variation 1699189 (VCV001699189.7), dbSNP rs2145722830, ClinGen allele CA645605337.
Genomic context (GRCh38, chr22:41,137,790, plus strand): 5'-TTCGGAAACAGTGGCACGAAGATATTACTCAGGATCTTCGAAATCATCTTGTTCACAAAC[TGTAA>T]GTAAGATTGTGGACACGTCTCATTCGTAAAGAGATGTTACGTCAACATGTTTTCAATCTC-3'